The following is an entry in ClinVar:

NM_014946.4(SPAST):c.1232T>C (p.Leu411Ser)

Gene: SPAST (spastin; plus strand). Cytogenetic location: 2p22.3.
Variant type: single nucleotide variant.
Coding change: c.1232T>C on transcript NM_014946.4 (MANE Select); coding-DNA position 1232, T replaced by C.
Protein change: p.Leu411Ser; replaces leucine 411 with serine.
Molecular consequence: missense variant.
Genome position (GRCh38, 1-based): chr2:32,128,466, T>C. VCF-style: chr2-32128466-T-C. GRCh37 (hg19) VCF-style: chr2-32353535-T-C.
Other names: c.1229T>C, p.Leu410Ser (NM_001363823.2); c.1133T>C, p.Leu378Ser (NM_001363875.2); c.1136T>C, p.Leu379Ser (NM_001377959.1, NM_199436.2); short protein forms L411S, L379S, L410S, L378S.
Identifiers: ClinVar variation 561116 (VCV000561116.2), dbSNP rs1558331955, ClinGen allele CA346501489.
Genomic context (GRCh38, chr2:32,128,466, plus strand): 5'-AGGCTAAAGCAGTAGCTGCAGAATCGAATGCAACCTTCTTTAATATAAGTGCTGCAAGTT[T>C]AACTTCAAAATACGTGAGTGCTCTGTTTCCAATATTGTCGTATTTTAAGTTACTGTCTAA-3'
Protein context (NP_055761.2, residues 401-421): ATFFNISAAS[Leu411Ser]TSKYVGEGEK

ClinVar aggregate classification (germline): Uncertain significance (1 of 4 stars; one submission).

Conditions:
Hereditary spastic paraplegia 4. Also called: Spastic paraplegia 4, autosomal dominant; Spastic Paraplegia 4; Familial spastic paraplegia autosomal dominant 2. Identifiers: Orphanet 100985, MedGen C1866855, MONDO:0008438, OMIM 182601.

Submission:

Baylor Genetics
Classification: Uncertain significance for Hereditary spastic paraplegia 4. Last evaluated: 2017-09-01. Review status: criteria provided, single submitter. Criteria: ACMG Guidelines, 2015. Collection method: clinical testing. Allele origin: de novo. Inheritance: Autosomal dominant inheritance. Affected: yes.

Literature cited by the submitters: PubMed 25326635.